The following is an entry in ClinVar:

NM_001387220.1(IKZF2):c.26A>G (p.Tyr9Cys)

Gene: IKZF2 (IKAROS family zinc finger 2; minus strand). Cytogenetic location: 2q34.
Variant type: single nucleotide variant.
Coding change: c.26A>G on transcript NM_001387220.1 (MANE Select); coding-DNA position 26, A replaced by G.
Protein change: p.Tyr9Cys; replaces tyrosine 9 with cysteine.
Molecular consequence: missense variant.
Genome position (GRCh38, 1-based): chr2:213,148,604, T>C on the plus strand (A>G on the coding strand, the complement: IKZF2 is on the minus strand). VCF-style: chr2-213148604-T-C. GRCh37 (hg19) VCF-style: chr2-214013328-T-C.
Other names: c.26A>G, p.Tyr9Cys (NM_001079526.2, NM_001371274.1, NM_001371275.1 and 3 more transcripts); short protein forms Y9C.
Identifiers: ClinVar variation 4995606 (VCV004995606.1).

ClinVar aggregate classification (germline): Uncertain significance (1 of 4 stars; one submission).

Conditions:
IKZF2-related condition.

gnomAD v4.1: 4 of 1,611,056 alleles (0.00025%); highest among the groups gnomAD compares: African/African-American, 0.004%; no homozygotes.

Submission:

PreventionGenetics, part of Exact Sciences
Classification: Uncertain significance for IKZF2-related condition. Last evaluated: 2026-05-11. Review status: criteria provided, single submitter. Criteria: ACMG Guidelines, 2015. Collection method: clinical testing. Allele origin: germline.
Comment: The IKZF2 c.26A>G variant is predicted to result in the amino acid substitution p.Tyr9Cys. To our knowledge, this variant has not been reported in the literature. This variant is reported in 0.0062% of alleles in individuals of African descent in gnomAD. At this time, the clinical significance of this variant is uncertain due to the absence of conclusive functional and genetic evidence.